The following is an entry in ClinVar:

NM_020822.3(KCNT1):c.1812G>A (p.Lys604=)

Gene: KCNT1 (potassium sodium-activated channel subfamily T member 1; plus strand). Cytogenetic location: 9q34.3.
Variant type: single nucleotide variant.
Coding change: c.1812G>A on transcript NM_020822.3 (MANE Select); coding-DNA position 1812, G replaced by A.
Protein change: p.Lys604=; no amino-acid change (lysine 604 retained).
Molecular consequence: synonymous variant.
Genome position (GRCh38, 1-based): chr9:135,770,899, G>A. VCF-style: chr9-135770899-G-A. GRCh37 (hg19) VCF-style: chr9-138662745-G-A.
Other names: c.1677G>A, p.Lys559= (NM_001272003.2).
Identifiers: ClinVar variation 1147840 (VCV001147840.23), dbSNP rs754003723, ClinGen allele CA5327087.

ClinVar aggregate classification (germline): Likely benign. Review status: criteria provided, multiple submitters, no conflicts (2 of 4 stars). 2 submissions from 2 submitters: Likely benign (2). Last evaluated 2025-04-01.

Conditions:
Developmental and epileptic encephalopathy, 14 (DEE14). Also called: Early infantile epileptic encephalopathy 14. Identifiers: Orphanet 293181, MedGen C3554195, MONDO:0013989, OMIM 614959.
Autosomal dominant nocturnal frontal lobe epilepsy 5. Also called: KCNT1-Related Epilepsy; Epilepsy, nocturnal frontal lobe, 5; CILIARY DYSKINESIA, PRIMARY, 28, WITHOUT SITUS INVERSUS; CILIARY DYSKINESIA, PRIMARY, 28, WITH SITUS INVERSUS. Identifiers: Orphanet 98784, MedGen C3554306, MONDO:0014002, OMIM 615005.

Allele frequency attached by ClinVar (database versions not stated): gnomAD 0.00001 and 0.00002; gnomAD exomes 0.00001 and 0.00004; TOPMed 0.00002; ExAC 0.00004.
gnomAD v4.1: 63 of 1,601,944 alleles (0.0039%); highest among the groups gnomAD compares: Non-Finnish European, 0.0052%; no homozygotes.

Submissions (2):

Labcorp Genetics (formerly Invitae), Labcorp
Classification: Likely benign for Autosomal dominant nocturnal frontal lobe epilepsy 5; Developmental and epileptic encephalopathy, 14. Last evaluated: 2025-04-01. Review status: criteria provided, single submitter. Criteria: Invitae Variant Classification Sherloc (09022015). Collection method: clinical testing. Allele origin: germline.

CeGaT Center for Human Genetics Tuebingen
Classification: Likely benign. Last evaluated: 2024-10-01. Review status: criteria provided, single submitter. Criteria: CeGaT Center For Human Genetics Tuebingen Variant Classification Criteria Version 2. Collection method: clinical testing. Allele origin: germline. Affected: yes. Observed: 1 variant allele.
Comment: KCNT1: BP4, BP7